The following is an entry in ClinVar:

ClinVar aggregate classification (germline): Pathogenic. Review status: criteria provided, single submitter (1 of 4 stars). 2 submissions from 2 submitters: Pathogenic (1). 1 of the submissions does not count toward it. Last evaluated 2021-10-21.

Conditions:
Tuberous sclerosis 2 (TSC2). Identifiers: Orphanet 805, MedGen C1860707, MONDO:0013199, OMIM 613254.
Tuberous sclerosis syndrome (TSC). Also called: Tuberous Sclerosis Complex; Tuberous sclerosis. Identifiers: Orphanet 805, MedGen C0041341, MONDO:0001734.

Submissions (2):

Labcorp Genetics (formerly Invitae), Labcorp
Classification: Pathogenic for Tuberous sclerosis 2. Last evaluated: 2021-10-21. Review status: criteria provided, single submitter. Criteria: Invitae Variant Classification Sherloc (09022015). Collection method: clinical testing. Allele origin: germline.
Comment: For these reasons, this variant has been classified as Pathogenic. Algorithms developed to predict the effect of sequence changes on RNA splicing suggest that this variant may disrupt the consensus splice site. ClinVar contains an entry for this variant (Variation ID: 49868). Disruption of this splice site has been observed in individuals with tuberous sclerosis complex (PMID: 11112665, 16114042). This variant is not present in population databases (gnomAD no frequency). This sequence change affects an acceptor splice site in intron 39 of the TSC2 gene. It is expected to disrupt RNA splicing. Variants that disrupt the donor or acceptor splice site typically lead to a loss of protein function (PMID: 16199547), and loss-of-function variants in TSC2 are known to be pathogenic (PMID: 10205261, 17304050).

Tuberous sclerosis database (TSC2)
No classification provided. Condition: TSC. Review status: no classification provided. Criteria: Tuberous Sclerosis Database Assertion Criteria 2015. Collection method: curation. Allele origin: germline. Affected: yes. Not counted in ClinVar's aggregate classification.

Literature cited by the submitters: PubMed 11112665 (cited by Labcorp Genetics (formerly Invitae), Labcorp); PubMed 16114042 (cited by Labcorp Genetics (formerly Invitae), Labcorp); PubMed 16199547 (cited by Labcorp Genetics (formerly Invitae), Labcorp); PubMed 10205261 (cited by Labcorp Genetics (formerly Invitae), Labcorp); PubMed 17304050 (cited by Labcorp Genetics (formerly Invitae), Labcorp).

NM_000548.5(TSC2):c.5069-1G>C

Gene: TSC2 (TSC complex subunit 2; plus strand). Cytogenetic location: 16p13.3.
Variant type: single nucleotide variant.
Coding change: c.5069-1G>C on transcript NM_000548.5 (MANE Select); the canonical splice acceptor site of the intron before coding-DNA position 5069, G replaced by C.
Molecular consequence: splice acceptor variant.
Genome position (GRCh38, 1-based): chr16:2,088,047, G>C. VCF-style: chr16-2088047-G-C. GRCh37 (hg19) VCF-style: chr16-2138048-G-C.
Other names: c.3527-1G>C (NM_001406693.1, NM_001406692.1, NM_001406694.1); c.4961-1G>C (NM_001406667.1); c.4958-1G>C (NM_001406668.1); c.4469-1G>C (NM_001406680.1); c.4400-1G>C (NM_001406683.1, NM_001406682.1); c.4268-1G>C (NM_001406687.1, NM_001406688.1); c.3656-1G>C (NM_001406689.1); c.3596-1G>C (NM_001406690.1); and 26 more.
Identifiers: ClinVar variation 49868 (VCV000049868.8), dbSNP rs45517389, ClinGen allele CA021646.